The following is an entry in ClinVar:

ClinVar aggregate classification (germline): Uncertain significance. Review status: criteria provided, multiple submitters, no conflicts (2 of 4 stars). 3 submissions from 3 submitters: Uncertain significance (2). 1 of the submissions does not count toward it. Last evaluated 2024-10-28.

Conditions:
Autosomal recessive limb-girdle muscular dystrophy type 2J (LGMDR10). Also called: Limb-girdle muscular dystrophy, type 2J; MUSCULAR DYSTROPHY, LIMB-GIRDLE, AUTOSOMAL RECESSIVE 10. Identifiers: Orphanet 140922, MedGen C1837342, MONDO:0012127, OMIM 608807.
Hypertrophic cardiomyopathy 9. Also called: Familial hypertrophic cardiomyopathy 9. Identifiers: MedGen C1861065, MONDO:0013412, OMIM 613765.
Dilated cardiomyopathy 1G (CMD1G). Identifiers: Orphanet 154, MedGen C1858763, MONDO:0011400, OMIM 604145.
Tibial muscular dystrophy (TMD). Also called: Tibial muscular dystrophy, tardive; Udd Distal Myopathy – Tibial Muscular Dystrophy; UDD MYOPATHY. Identifiers: Orphanet 609, MedGen C1838244, MONDO:0010870, OMIM 600334.
Early-onset myopathy with fatal cardiomyopathy (CMYO5). Also called: Salih Myopathy; CONGENITAL MYOPATHY 5 WITH CARDIOMYOPATHY. Identifiers: Orphanet 289377, MedGen C2673677, MONDO:0012714, OMIM 611705. Disease mechanism: loss of function.
Myopathy, myofibrillar, 9, with early respiratory failure (MFM9). Also called: Hereditary myopathy with early respiratory failure; Myopathy, distal, with early respiratory failure, autosomal dominant; EDSTROM MYOPATHY; MYOPATHY, PROXIMAL, WITH EARLY RESPIRATORY MUSCLE INVOLVEMENT. Identifiers: Orphanet 178464, Orphanet 34521, MedGen C1863599, MONDO:0011362, OMIM 603689.

Allele frequency attached by ClinVar (database versions not stated): gnomAD exomes 0.00001.
gnomAD v4.1: 4 of 1,613,810 alleles (0.00025%); highest among the groups gnomAD compares: Admixed American, 0.0033%; no homozygotes.

Submissions (3):

Women's Health and Genetics/Laboratory Corporation of America, LabCorp
Classification: Uncertain significance. Last evaluated: 2024-10-28. Review status: criteria provided, single submitter. Criteria: LabCorp Variant Classification Summary - May 2015. Collection method: clinical testing. Allele origin: germline.
Comment: Variant summary: TTN c.13644T>G (p.Ile4548Met) results in a conservative amino acid change located in the Immunoglobulin subtype 2 domain (IPR003598) of the encoded protein sequence. Three of three in-silico tools predict a benign effect of the variant on protein function. The variant allele was found at a frequency of 8e-06 in 248818 control chromosomes. The available data on variant occurrences in the general population are insufficient to allow any conclusion about variant significance. To our knowledge, no occurrence of c.13644T>G in individuals affected with Dilated Cardiomyopathy and no experimental evidence demonstrating its impact on protein function have been reported. ClinVar contains an entry for this variant (Variation ID: 977334). Based on the evidence outlined above, the variant was classified as uncertain significance.

Fulgent Genetics
Classification: Uncertain significance for Tibial muscular dystrophy; Myopathy, myofibrillar, 9, with early respiratory failure; Dilated cardiomyopathy 1G; Autosomal recessive limb-girdle muscular dystrophy type 2J; Early-onset myopathy with fatal cardiomyopathy; Hypertrophic cardiomyopathy 9. Last evaluated: 2021-08-31. Review status: criteria provided, single submitter. Criteria: ACMG Guidelines, 2015. Collection method: clinical testing. Allele origin: unknown.

New York Genome Center
Classification: Uncertain significance. Last evaluated: 2020-02-05. Review status: no assertion criteria provided. Collection method: clinical testing. Allele origin: maternal. Affected: yes. Observed: 1 heterozygote. Not counted in ClinVar's aggregate classification.
Comment: The c.17376T>G (p.Ile5792Met) variant substitutes an Isoleucine for Methionine at amino acid 5792/35992 (coding exon 59/363) in the transcript NM_001267550.2.It is also called c.16425T>G (p.Ile5475Met) in the alternative TTN transcript NM_001256850.1. The p.Ile5792 residue is completely conserved in mammals. This variant is found with low frequency in gnomAD (2 heterozygotes, 0 homozygotes; allele frequency: 8.04e-6). In silico algorithms predict this variant to be Neutral (Provean; score: -1.70) and Tolerated (SIFT; score: 0.054) to the function of the protein. This variant is absent from ClinVar, although a different amino acid change at the same amino acid is reported as a Variant of Uncertain Significance (p.Ile5792Thr; VarID:535724). To our current knowledge this variant has not been reported in affected individuals in the literature.

NM_001267550.2(TTN):c.17376T>G (p.Ile5792Met)

Genes: TTN (titin; minus strand), LOC126806431 (CDK7 strongly-dependent group 2 enhancer GRCh37_chr2:179595719-179596918; plus strand). Cytogenetic location: 2q31.2.
Variant type: single nucleotide variant.
Coding change: c.17376T>G on transcript NM_001267550.2 (MANE Select); coding-DNA position 17376, T replaced by G.
Protein change: p.Ile5792Met; replaces isoleucine 5792 with methionine.
Molecular consequence: missense variant. On other transcripts: intron variant (3).
Genome position (GRCh38, 1-based): chr2:178,731,390, A>C on the plus strand (T>G on the coding strand, the complement: TTN is on the minus strand). VCF-style: chr2-178731390-A-C. GRCh37 (hg19) VCF-style: chr2-179596117-A-C.
Other names: c.16425T>G, p.Ile5475Met (NM_001256850.1); c.13644T>G, p.Ile4548Met (NM_133378.4); c.13282+6692T>G (NM_003319.4); c.13858+6692T>G (NM_133437.4); c.13657+6692T>G (NM_133432.3); short protein forms I4548M, I5475M, I5792M.
Identifiers: ClinVar variation 977334 (VCV000977334.4), dbSNP rs1041967765, ClinGen allele CA60979196.